The following is an entry in ClinVar:

ClinVar aggregate classification (germline): Uncertain significance (1 of 4 stars; one submission).

Conditions:
UNC45B-related disorder. Also called: UNC45B-related condition.

Submission:

PreventionGenetics, part of Exact Sciences
Classification: Uncertain significance for UNC45B-related condition. Last evaluated: 2026-04-03. Review status: criteria provided, single submitter. Criteria: ACMG Guidelines, 2015. Collection method: clinical testing. Allele origin: germline.
Comment: The UNC45B c.1544G>A variant is predicted to result in the amino acid substitution p.Arg515His. To our knowledge, this variant has not been reported in the literature. This variant is reported in 0.012% of alleles in individuals of African descent in gnomAD. At this time, the clinical significance of this variant is uncertain due to the absence of conclusive functional and genetic evidence.

NM_001267052.2(UNC45B):c.1544G>A (p.Arg515His)

Gene: UNC45B (unc-45 myosin chaperone B; plus strand). Cytogenetic location: 17q12.
Variant type: single nucleotide variant.
Coding change: c.1544G>A on transcript NM_001267052.2 (MANE Select); coding-DNA position 1544, G replaced by A.
Protein change: p.Arg515His; replaces arginine 515 with histidine.
Molecular consequence: missense variant. On other transcripts: intron variant (1).
Genome position (GRCh38, 1-based): chr17:35,169,928, G>A. VCF-style: chr17-35169928-G-A. GRCh37 (hg19) VCF-style: chr17-33496947-G-A.
Other names: c.1544G>A, p.Arg515His (NM_001033576.2, NM_173167.3); c.1453-1394G>A (NM_001308281.1); short protein forms R515H.
Identifiers: ClinVar variation 4977346 (VCV004977346.1).